The following is an entry in ClinVar:

NM_198253.3(TERT):c.345C>G (p.Phe115Leu)

Gene: TERT (telomerase reverse transcriptase; minus strand). Cytogenetic location: 5p15.33.
Variant type: single nucleotide variant.
Coding change: c.345C>G on transcript NM_198253.3 (MANE Select); coding-DNA position 345, C replaced by G.
Protein change: p.Phe115Leu; replaces phenylalanine 115 with leucine.
Molecular consequence: missense variant. On other transcripts: non-coding transcript variant (2).
Genome position (GRCh38, 1-based): chr5:1,294,541, G>C on the plus strand (C>G on the coding strand, the complement: TERT is on the minus strand). VCF-style: chr5-1294541-G-C. GRCh37 (hg19) VCF-style: chr5-1294656-G-C.
Other names: c.345C>G, p.Phe115Leu (NM_001193376.3); short protein forms F115L.
Identifiers: ClinVar variation 816669 (VCV000816669.2), dbSNP rs1579598699, ClinGen allele CA359058226.

ClinVar aggregate classification (germline): Conflicting classifications of pathogenicity. Review status: criteria provided, conflicting classifications (1 of 4 stars). 2 submissions from 2 submitters: Likely pathogenic (1); Uncertain significance (1). Last evaluated 2019-09-19.

Conditions:
Pulmonary fibrosis and/or bone marrow failure, Telomere-related, 1. Also called: PULMONARY FIBROSIS AND/OR BONE MARROW FAILURE SYNDROME, TELOMERE-RELATED, 1. Identifiers: Orphanet 88, MedGen C3553617, MONDO:0013878, OMIM 614742.

Submissions (2):

Johns Hopkins Genomics, Johns Hopkins University
Classification: Likely pathogenic for Pulmonary fibrosis and/or bone marrow failure, Telomere-related, 1. Last evaluated: 2019-09-19. Review status: criteria provided, single submitter. Criteria: ACMG Guidelines, 2015. Collection method: clinical testing. Allele origin: germline.
Comment: This TERT variant is absent from large population datasets and has not been reported in ClinVar nor the literature, to our knowledge. Two bioinformatic tools queried predict that this substitution would be tolerated, however the phenylalanine residue at this position is highly evolutionarily conserved across mammals. This variant is considered likely pathogenic.

Blueprint Genetics
Classification: Uncertain significance. Last evaluated: 2019-07-26. Review status: criteria provided, single submitter. Criteria: ACMG Guidelines, 2015. Collection method: clinical testing. Allele origin: germline.